The following is an entry in ClinVar:

NM_172107.4(KCNQ2):c.463C>T (p.Arg155Cys)

Gene: KCNQ2 (potassium voltage-gated channel subfamily Q member 2; minus strand). Cytogenetic location: 20q13.33.
Variant type: single nucleotide variant.
Coding change: c.463C>T on transcript NM_172107.4 (MANE Select); coding-DNA position 463, C replaced by T.
Protein change: p.Arg155Cys; replaces arginine 155 with cysteine.
Molecular consequence: missense variant.
Genome position (GRCh38, 1-based): chr20:63,445,289, G>A on the plus strand (C>T on the coding strand, the complement: KCNQ2 is on the minus strand). VCF-style: chr20-63445289-G-A. GRCh37 (hg19) VCF-style: chr20-62076642-G-A.
Other names: c.463C>T, p.Arg155Cys (NM_004518.6, NM_172106.3, NM_172108.5 and 1 more transcripts); short protein forms R155C.
Identifiers: ClinVar variation 283735 (VCV000283735.13), dbSNP rs886042698, ClinGen allele CA10604580.

ClinVar aggregate classification (germline): Uncertain significance. Review status: criteria provided, multiple submitters, no conflicts (2 of 4 stars). 2 submissions from 2 submitters: Uncertain significance (2). Last evaluated 2024-03-20.

Conditions:
Early-infantile DEE. Also called: Early infantile epileptic encephalopathy with suppression bursts; Ohtahara syndrome; Early infantile epileptic encephalopathy. Identifiers: Orphanet 1934, MedGen C0393706, MONDO:0800491.

Allele frequency attached by ClinVar (database versions not stated): gnomAD exomes below 0.00001 and 0.00001.
gnomAD v4.1: 10 of 1,613,802 alleles (0.00062%); highest among the groups gnomAD compares: East Asian, 0.0022%; no homozygotes.

Submissions (2):

Labcorp Genetics (formerly Invitae), Labcorp
Classification: Uncertain significance for Early-infantile DEE. Last evaluated: 2024-03-20. Review status: criteria provided, single submitter. Criteria: Invitae Variant Classification Sherloc (09022015). Collection method: clinical testing. Allele origin: germline.
Comment: This sequence change replaces arginine, which is basic and polar, with cysteine, which is neutral and slightly polar, at codon 155 of the KCNQ2 protein (p.Arg155Cys). This variant is present in population databases (no rsID available, gnomAD 0.0009%). This variant has not been reported in the literature in individuals affected with KCNQ2-related conditions. ClinVar contains an entry for this variant (Variation ID: 283735). Advanced modeling of protein sequence and biophysical properties (such as structural, functional, and spatial information, amino acid conservation, physicochemical variation, residue mobility, and thermodynamic stability) performed at Invitae indicates that this missense variant is expected to disrupt KCNQ2 protein function with a positive predictive value of 95%. Algorithms developed to predict the effect of sequence changes on RNA splicing suggest that this variant may create or strengthen a splice site. In summary, the available evidence is currently insufficient to determine the role of this variant in disease. Therefore, it has been classified as a Variant of Uncertain Significance.

Eurofins Ntd Llc (ga)
Classification: Uncertain significance. Last evaluated: 2015-10-02. Review status: criteria provided, single submitter. Criteria: EGL Classification Definitions 2015. Collection method: clinical testing. Allele origin: germline. Observed: 2 variant alleles, 2 heterozygotes.